The following is an entry in ClinVar:

NM_000548.5(TSC2):c.4105C>A (p.Arg1369=)

Gene: TSC2 (TSC complex subunit 2; plus strand). Cytogenetic location: 16p13.3.
Variant type: single nucleotide variant.
Coding change: c.4105C>A on transcript NM_000548.5 (MANE Select); coding-DNA position 4105, C replaced by A.
Protein change: p.Arg1369=; no amino-acid change (arginine 1369 retained).
Molecular consequence: synonymous variant.
Genome position (GRCh38, 1-based): chr16:2,084,327, C>A. VCF-style: chr16-2084327-C-A. GRCh37 (hg19) VCF-style: chr16-2134328-C-A.
Other names: c.3904C>A, p.Arg1302= (NM_001077183.3); c.4036C>A, p.Arg1346= (NM_001114382.3); c.3796C>A, p.Arg1266= (NM_001318827.2); c.3760C>A, p.Arg1254= (NM_001318829.2); c.3373C>A, p.Arg1125= (NM_001318831.2); c.3937C>A, p.Arg1313= (NM_001318832.2); c.3907C>A, p.Arg1303= (NM_001363528.2); c.3973C>A, p.Arg1325= (NM_001370404.1); and 1 more.
Identifiers: ClinVar variation 824599 (VCV000824599.17), dbSNP rs45517328, ClinGen allele CA276753270.

ClinVar aggregate classification (germline): Benign/Likely benign. Review status: criteria provided, multiple submitters, no conflicts (2 of 4 stars). 6 submissions from 6 submitters: Benign (2); Likely benign (4). Last evaluated 2025-06-02.

Conditions:
Tuberous sclerosis syndrome (TSC). Also called: Tuberous Sclerosis Complex; Tuberous sclerosis. Identifiers: Orphanet 805, MedGen C0041341, MONDO:0001734.
Tuberous sclerosis 2 (TSC2). Identifiers: Orphanet 805, MedGen C1860707, MONDO:0013199, OMIM 613254.
Hereditary cancer-predisposing syndrome. Also called: Neoplastic Syndromes, Hereditary; Hereditary Cancer Syndrome; Hereditary neoplastic syndrome; Tumor predisposition. Identifiers: Orphanet 140162, MedGen C0027672, MeSH D009386, MONDO:0015356.

gnomAD v4.1: 16 of 1,612,718 alleles (0.00099%); highest among the groups gnomAD compares: Non-Finnish European, 0.0014%; no homozygotes.

Submissions (6):

Myriad Genetics, Inc.
Classification: Benign for Tuberous sclerosis 2. Last evaluated: 2025-06-02. Review status: criteria provided, single submitter. Criteria: Myriad Autosomal Dominant, Autosomal Recessive and X-Linked Classification Criteria (2023). Collection method: clinical testing. Allele origin: unknown.
Comment: This variant is considered benign. This variant is a silent/synonymous amino acid change and it is not expected to impact splicing.

Labcorp Genetics (formerly Invitae), Labcorp
Classification: Likely benign for Tuberous sclerosis 2. Last evaluated: 2025-02-10. Review status: criteria provided, single submitter. Criteria: Invitae Variant Classification Sherloc (09022015). Collection method: clinical testing. Allele origin: germline.

All of Us Research Program, National Institutes of Health
Classification: Likely benign for Tuberous sclerosis syndrome. Last evaluated: 2024-03-24. Review status: criteria provided, single submitter. Criteria: ACMG Guidelines, 2015. Collection method: clinical testing. Allele origin: germline. Inheritance: Autosomal dominant inheritance. Observed: 2 variant alleles, 2 heterozygotes.
Comment: This study involves interpretation of variants in research participants for the purpose of population health screening. Participant phenotype was not available at the time of variant classification. Additional details can be found in publication PMID: 35346344, PMCID: PMC8962531

Color Diagnostics, LLC DBA Color Health
Classification: Likely benign for Tuberous sclerosis syndrome. Last evaluated: 2024-02-20. Review status: criteria provided, single submitter. Criteria: ACMG Guidelines, 2015. Collection method: clinical testing. Allele origin: germline.

Genome-Nilou Lab
Classification: Benign for Tuberous sclerosis 2. Last evaluated: 2021-11-07. Review status: criteria provided, single submitter. Criteria: ACMG Guidelines, 2015. Collection method: clinical testing. Allele origin: germline. Affected: no.

Ambry Genetics
Classification: Likely benign for Hereditary cancer-predisposing syndrome. Last evaluated: 2019-07-18. Review status: criteria provided, single submitter. Criteria: Ambry Variant Classification Scheme 2023. Collection method: clinical testing. Allele origin: germline.